The following is an entry in ClinVar:

ClinVar aggregate classification (germline): Uncertain significance (1 of 4 stars; one submission).

Allele frequency attached by ClinVar (database versions not stated): gnomAD exomes below 0.00001.
gnomAD v4.1: 1 of 1,136,605 alleles (0.000088%); highest among the groups gnomAD compares: East Asian, 0.003%; no homozygotes.

Submission:

GeneDx
Classification: Uncertain significance. Last evaluated: 2021-05-28. Review status: criteria provided, single submitter. Criteria: GeneDx Variant Classification Process June 2021. Collection method: clinical testing. Allele origin: germline. Affected: yes.
Comment: Not observed at significant frequency in large population cohorts (Lek et al., 2016); In silico analysis supports that this missense variant has a deleterious effect on protein structure/function; Has not been previously published as pathogenic or benign to our knowledge; This variant is associated with the following publications: (PMID: 27535533)

NM_001367721.1(CASK):c.2047G>A (p.Ala683Thr)

Gene: CASK (calcium/calmodulin dependent serine protein kinase; minus strand). Cytogenetic location: Xp11.4.
Variant type: single nucleotide variant.
Coding change: c.2047G>A on transcript NM_001367721.1 (MANE Select); coding-DNA position 2047, G replaced by A.
Protein change: p.Ala683Thr; replaces alanine 683 with threonine.
Molecular consequence: missense variant.
Genome position (GRCh38, 1-based): chrX:41,542,799, C>T on the plus strand (G>A on the coding strand, the complement: CASK is on the minus strand). VCF-style: chrX-41542799-C-T. GRCh37 (hg19) VCF-style: chrX-41402052-C-T.
Other names: c.1978G>A, p.Ala660Thr (NM_001126054.3); c.1960G>A, p.Ala654Thr (NM_001126055.3); c.2029G>A, p.Ala677Thr (NM_001410745.1); c.2047G>A, p.Ala683Thr (NM_003688.4); short protein forms A654T, A660T, A683T, A677T.
Identifiers: ClinVar variation 1303664 (VCV001303664.2), dbSNP rs1162012524, ClinGen allele CA412992463.